The following is an entry in ClinVar:

ClinVar aggregate classification (germline): Uncertain significance (1 of 4 stars; one submission).

Conditions:
Inborn genetic diseases. Identifiers: MedGen C0950123, MeSH D030342.

Submission:

Ambry Genetics
Classification: Uncertain significance for Inborn genetic diseases. Last evaluated: 2021-09-02. Review status: criteria provided, single submitter. Criteria: Ambry Variant Classification Scheme 2023. Collection method: clinical testing. Allele origin: germline.
Comment: The p.M547V variant (also known as c.1639A>G), located in coding exon 14 of the DST gene, results from an A to G substitution at nucleotide position 1639. The methionine at codon 547 is replaced by valine, an amino acid with highly similar properties. This amino acid position is highly conserved in available vertebrate species. In addition, this alteration is predicted to be deleterious by in silico analysis. Since supporting evidence is limited at this time, the clinical significance of this alteration remains unclear.

NM_001374736.1(DST):c.1738A>G (p.Met580Val)

Gene: DST (dystonin; minus strand). Cytogenetic location: 6p12.1.
Variant type: single nucleotide variant.
Coding change: c.1738A>G on transcript NM_001374736.1 (MANE Select); coding-DNA position 1738, A replaced by G.
Protein change: p.Met580Val; replaces methionine 580 with valine.
Molecular consequence: missense variant.
Genome position (GRCh38, 1-based): chr6:56,645,906, T>C on the plus strand (A>G on the coding strand, the complement: DST is on the minus strand). VCF-style: chr6-56645906-T-C. GRCh37 (hg19) VCF-style: chr6-56510704-T-C.
Other names: c.1639A>G, p.Met547Val (NM_001144769.5); c.1225A>G, p.Met409Val (NM_001144770.2); c.1738A>G, p.Met580Val (NM_001374722.1); c.1105A>G, p.Met369Val (NM_001374729.1, NM_001374730.1, NM_001386100.1 and 1 more transcripts); c.1765A>G, p.Met589Val (NM_001374734.1); short protein forms M369V, M409V, M580V, M589V, M547V.
Identifiers: ClinVar variation 1776984 (VCV001776984.2), dbSNP rs2537282560, ClinGen allele CA364615868.
Genomic context (GRCh38, chr6:56,645,906, plus strand): 5'-AGAAAACACCTCTGGCCTACCTTTCTACTTCTGGACGAAGGGCCTTCTCTCTCTCTAGCA[T>C]GGCAATAATGAGTTTCCCCCACTCTTTTTCTATGTCATTTGGATGATAACCTTGAAGGAG-3'
Protein context (NP_001361665.1, residues 570-590): EKEWGKLIIA[Met580Val]LEREKALRPE